The following is an entry in ClinVar:

NM_130839.5(UBE3A):c.2498+4G>A

Genes: SNHG14 (small nucleolar RNA host gene 14; plus strand), UBE3A (ubiquitin protein ligase E3A; minus strand). Cytogenetic location: 15q11.2.
Variant type: single nucleotide variant.
Coding change: c.2498+4G>A on transcript NM_130839.5 (MANE Select); 4 bases into the intron after coding-DNA position 2498, G replaced by A.
Molecular consequence: intron variant.
Genome position (GRCh38, 1-based): chr15:25,340,081, C>T on the plus strand (G>A on the coding strand, the complement: UBE3A is on the minus strand). VCF-style: chr15-25340081-C-T. GRCh37 (hg19) VCF-style: chr15-25585228-C-T.
Other names: c.2321+4G>A (NM_001354546.2); c.1187+4G>A (NM_001354551.2); c.2273+4G>A (NM_001354549.2); c.2282+4G>A (NM_001354548.2, NM_001354547.2); c.2438+4G>A (NM_130838.4, NM_001354542.2, NM_001354523.2 and 14 more transcripts); c.1247+4G>A (NM_001354550.2); c.2342+4G>A (NM_001354545.2); c.2498+4G>A (NM_001354538.2, NM_001354505.1); and 1 more.
Identifiers: ClinVar variation 4855978 (VCV004855978.1).
Genomic context (GRCh38, chr15:25,340,081, plus strand): 5'-ATGTATGTGACGAGGAATGCAAGGTTTTCGGTAGGTATACAGTCACAAGTTAATAATTAC[C>T]TACCTTTCTGTGTCTGGGCCATTTTTGGCTATAATCATCTTTAATTTTCCTAGTCCTCCC-3'

ClinVar aggregate classification (germline): Uncertain significance (1 of 4 stars; one submission).

Conditions:
Angelman syndrome (AS). Also called: HAPPY PUPPET SYNDROME. Identifiers: Orphanet 72, MedGen C0162635, MONDO:0007113, OMIM 105830. Disease mechanism: loss of function. Inheritance: AS is caused by disruption of maternally imprinted UBE3A located within the 15q11.2-q13 Angelman syndrome/Prader-Willi syndrome (AS/PWS) region., imprinting disorder.

Submission:

3billion
Classification: Uncertain significance for Angelman syndrome. Last evaluated: 2025-12-01. Review status: criteria provided, single submitter. Criteria: ACMG Guidelines, 2015. Collection method: clinical testing. Allele origin: germline. Affected: yes.
Comment: The variant is not observed in the gnomAD v4.1.0 dataset. Predicted Consequence/Location: Intron variant In silico tools predict the variant to alter splicing and produce an abnormal transcript [SpliceAI: 0.23 (>=0.2, moderate evidence for spliceogenicity)]. Therefore, this variant is classified as VUS according to the recommendation of ACMG/AMP guideline.